The following is an entry in ClinVar:

ClinVar aggregate classification (germline): Pathogenic (1 of 4 stars; one submission).

Conditions:
Familial thoracic aortic aneurysm and aortic dissection (TAAD). Also called: Thoracic aortic aneurysms and dissections. Identifiers: Orphanet 91387, MedGen C4707243, MONDO:0019625.
Marfan syndrome (MFS). Also called: FBN1-Related Marfan Syndrome; Marfan syndrome type 1; Marfan's syndrome; Marfan syndrome, classic; MARFAN SYNDROME, TYPE I. Identifiers: Orphanet 284963, Orphanet 558, MedGen C0024796, MONDO:0007947, OMIM 154700.

Submission:

Labcorp Genetics (formerly Invitae), Labcorp
Classification: Pathogenic for Marfan syndrome; Familial thoracic aortic aneurysm and aortic dissection. Last evaluated: 2023-11-11. Review status: criteria provided, single submitter. Criteria: Invitae Variant Classification Sherloc (09022015). Collection method: clinical testing. Allele origin: germline.
Comment: This sequence change replaces glutamic acid, which is acidic and polar, with glycine, which is neutral and non-polar, at codon 1158 of the FBN1 protein (p.Glu1158Gly). This variant is not present in population databases (gnomAD no frequency). This missense change has been observed in individual(s) with Marfan syndrome (PMID: 17657824; Invitae). ClinVar contains an entry for this variant (Variation ID: 647760). Advanced modeling of protein sequence and biophysical properties (such as structural, functional, and spatial information, amino acid conservation, physicochemical variation, residue mobility, and thermodynamic stability) performed at Invitae indicates that this missense variant is expected to disrupt FBN1 protein function with a positive predictive value of 95%. This variant disrupts the p.Glu1158 amino acid residue in FBN1. Other variant(s) that disrupt this residue have been observed in individuals with FBN1-related conditions (PMID: 27906200), which suggests that this may be a clinically significant amino acid residue. For these reasons, this variant has been classified as Pathogenic.

Literature cited by the submitters: PubMed 17657824; PubMed 27906200.

NM_000138.5(FBN1):c.3473A>G (p.Glu1158Gly)

Gene: FBN1 (fibrillin 1; minus strand). Cytogenetic location: 15q21.1.
Variant type: single nucleotide variant.
Coding change: c.3473A>G on transcript NM_000138.5 (MANE Select); coding-DNA position 3473, A replaced by G.
Protein change: p.Glu1158Gly; replaces glutamic acid 1158 with glycine.
Molecular consequence: missense variant.
Genome position (GRCh38, 1-based): chr15:48,487,191, T>C on the plus strand (A>G on the coding strand, the complement: FBN1 is on the minus strand). VCF-style: chr15-48487191-T-C. GRCh37 (hg19) VCF-style: chr15-48779388-T-C.
Other names: short protein forms E1158G.
Identifiers: ClinVar variation 647760 (VCV000647760.10), dbSNP rs1597562926, ClinGen allele CA392325996.
Genomic context (GRCh38, chr15:48,487,191, plus strand): 5'-TACTTCCCTATGAGGTTCACGCAACGGCCATTGGGGCACAGGTGTGCACTCAGCTCACAT[T>C]CATTGATGTCTGTCGGGAAAATAAGAAGAACAAACACCCAAACATAAGCTTCCAACTTTG-3'
Protein context (NP_000129.3, residues 1148-1168): PNISACIDIN[Glu1158Gly]CELSAHLCPN